The following is an entry in ClinVar:

ClinVar aggregate classification (germline): Benign (1 of 4 stars; one submission).

Conditions:
Neuronal ceroid lipofuscinosis 7 (CLN7). Also called: MFSD8-Related Neuronal Ceroid-Lipofuscinosis. Identifiers: Orphanet 168491, Orphanet 228366, MedGen C1838571, MONDO:0012588, OMIM 610951.

Allele frequency attached by ClinVar (database versions not stated): 1000 Genomes Project 0.02596; gnomAD 0.02654 and 0.02850; 1000 Genomes Project 30x 0.02858; TOPMed 0.02992.

Submission:

Illumina Laboratory Services, Illumina
Classification: Benign for Neuronal ceroid lipofuscinosis 7. Last evaluated: 2018-01-12. Review status: criteria provided, single submitter. Criteria: ICSL Variant Classification Criteria 13 December 2019. Collection method: clinical testing. Allele origin: germline.
Comment: This variant was observed in the ICSL laboratory as part of a predisposition screen in an ostensibly healthy population. It had not been previously curated by ICSL or reported in the Human Gene Mutation Database (HGMD: prior to June 1st, 2018), and was therefore a candidate for classification through an automated scoring system. Utilizing variant allele frequency, disease prevalence and penetrance estimates, and inheritance mode, an automated score was calculated to assess if this variant is too frequent to cause the disease. Based on the score and internal cut-off values, a variant classified as benign is not then subjected to further curation. The score for this variant resulted in a classification of benign for this disease.

NM_001371596.2(MFSD8):c.*2405G>A

Gene: MFSD8 (major facilitator superfamily domain containing 8; minus strand). Cytogenetic location: 4q28.2.
Variant type: single nucleotide variant.
Coding change: c.*2405G>A on transcript NM_001371596.2 (MANE Select); 2405 bases downstream of the stop codon, G replaced by A.
Molecular consequence: 3 prime UTR variant.
Genome position (GRCh38, 1-based): chr4:127,918,225, C>T on the plus strand (G>A on the coding strand, the complement: MFSD8 is on the minus strand). VCF-style: chr4-127918225-C-T. GRCh37 (hg19) VCF-style: chr4-128839380-C-T.
Other names: c.*2405G>A (NM_001363520.3, NM_001363521.3, NM_001371590.2 and 7 more transcripts); c.*3534G>A (NM_001410766.1).
Identifiers: ClinVar variation 347521 (VCV000347521.7), dbSNP rs11938181, ClinGen allele CA10617923.